The following is an entry in ClinVar:

NM_001625.4(AK2):c.346G>A (p.Glu116Lys)

Gene: AK2 (adenylate kinase 2; minus strand). Cytogenetic location: 1p35.1.
Variant type: single nucleotide variant.
Coding change: c.346G>A on transcript NM_001625.4 (MANE Select); coding-DNA position 346, G replaced by A.
Protein change: p.Glu116Lys; replaces glutamic acid 116 with lysine.
Molecular consequence: missense variant. On other transcripts: intron variant (1).
Genome position (GRCh38, 1-based): chr1:33,021,446, C>T on the plus strand (G>A on the coding strand, the complement: AK2 is on the minus strand). VCF-style: chr1-33021446-C-T. GRCh37 (hg19) VCF-style: chr1-33487047-C-T.
Other names: c.346G>A, p.Glu116Lys (NM_001199199.3, NM_001319141.3, NM_013411.5); c.202G>A, p.Glu68Lys (NM_001319139.3, NM_001319140.2); c.220G>A, p.Glu74Lys (NM_001319142.3); c.330+147G>A (NM_001319143.2); short protein forms E116K, E68K, E74K.
Identifiers: ClinVar variation 2129967 (VCV002129967.1), dbSNP rs2522073040, ClinGen allele CA339702106.

ClinVar aggregate classification (germline): Uncertain significance (1 of 4 stars; one submission).

Conditions:
Reticular dysgenesis. Also called: ALEUKOCYTOSIS; CONGENITAL ALEUKIA; HEMATOPOIETIC HYPOPLASIA, GENERALIZED; RETICULAR DYSGENESIA; SEVERE COMBINED IMMUNODEFICIENCY WITH LEUKOPENIA; DeVaal disease. Identifiers: Orphanet 33355, MedGen C0272167, MONDO:0009973, OMIM 267500.

Submission:

Labcorp Genetics (formerly Invitae), Labcorp
Classification: Uncertain significance for Reticular dysgenesis. Last evaluated: 2022-04-24. Review status: criteria provided, single submitter. Criteria: Invitae Variant Classification Sherloc (09022015). Collection method: clinical testing. Allele origin: germline.
Comment: This sequence change replaces glutamic acid, which is acidic and polar, with lysine, which is basic and polar, at codon 116 of the AK2 protein (p.Glu116Lys). This variant is not present in population databases (gnomAD no frequency). This variant has not been reported in the literature in individuals affected with AK2-related conditions. Algorithms developed to predict the effect of missense changes on protein structure and function output the following: SIFT: "Tolerated"; PolyPhen-2: "Benign"; Align-GVGD: "Class C0". The lysine amino acid residue is found in multiple mammalian species, which suggests that this missense change does not adversely affect protein function. In summary, the available evidence is currently insufficient to determine the role of this variant in disease. Therefore, it has been classified as a Variant of Uncertain Significance.